The following is an entry in ClinVar:

NM_000069.3(CACNA1S):c.5441T>C (p.Leu1814Pro)

Gene: CACNA1S (calcium voltage-gated channel subunit alpha1 S; minus strand). Cytogenetic location: 1q32.1.
Variant type: single nucleotide variant.
Coding change: c.5441T>C on transcript NM_000069.3 (MANE Select); coding-DNA position 5441, T replaced by C.
Protein change: p.Leu1814Pro; replaces leucine 1814 with proline.
Molecular consequence: missense variant.
Genome position (GRCh38, 1-based): chr1:201,040,012, A>G on the plus strand (T>C on the coding strand, the complement: CACNA1S is on the minus strand). VCF-style: chr1-201040012-A-G. GRCh37 (hg19) VCF-style: chr1-201009140-A-G.
Other names: short protein forms L1814P.
Identifiers: ClinVar variation 1678217 (VCV001678217.2), dbSNP rs758046937, ClinGen allele CA083875.
Genomic context (GRCh38, chr1:201,040,012, plus strand): 5'-TTCAGTAGCTCTGTTGCCATGATCTCCACTTCCTCTGGTTCCATTTGGCAGGCATCTGCC[A>G]GGGCCTGGCCTGTTGCCATGATGAAGTTTGCATCAGCTGCCAAGGTGCCCAGGCCCCCTC-3'
Protein context (NP_000060.2, residues 1804-1824): ANFIMATGQA[Leu1814Pro]ADACQMEPEE

ClinVar aggregate classification (germline): Uncertain significance. Review status: criteria provided, multiple submitters, no conflicts (2 of 4 stars). 2 submissions from 2 submitters: Uncertain significance (2). Last evaluated 2024-08-06.

Conditions:
Malignant hyperthermia, susceptibility to, 5 (MHS5). Also called: CACNA1S-Related Malignant Hyperthermia Susceptibility. Identifiers: Orphanet 423, MedGen C1866077, MONDO:0011163, OMIM 601887.

Allele frequency attached by ClinVar (database versions not stated): gnomAD exomes below 0.00001; ExAC 0.00001.
gnomAD v4.1: 1 of 1,614,284 alleles (0.000062%); highest among the groups gnomAD compares: Non-Finnish European, 0.000085%; no homozygotes.

Submissions (2):

All of Us Research Program, National Institutes of Health
Classification: Uncertain significance for Malignant hyperthermia, susceptibility to, 5. Last evaluated: 2024-08-06. Review status: criteria provided, single submitter. Criteria: ACMG Guidelines, 2015. Collection method: clinical testing. Allele origin: germline. Inheritance: Autosomal dominant inheritance. Observed: 1 variant allele, 1 heterozygote.
Comment: This study involves interpretation of variants in research participants for the purpose of population health screening. Participant phenotype was not available at the time of variant classification. Additional details can be found in publication PMID: 35346344, PMCID: PMC8962531

AiLife Diagnostics
Classification: Uncertain significance. Last evaluated: 2020-05-14. Review status: criteria provided, single submitter. Criteria: ACMG Guidelines, 2015. Collection method: clinical testing. Allele origin: germline. Affected: yes. Observed: 1 variant allele.